The following is an entry in ClinVar:

ClinVar aggregate classification (germline): Pathogenic/Likely pathogenic. Review status: criteria provided, multiple submitters, no conflicts (2 of 4 stars). 4 submissions from 4 submitters: Pathogenic (1); Likely pathogenic (2). 1 of the submissions does not count toward it. Last evaluated 2025-04-24.

Conditions:
Iron metabolism disorders.
Neuroferritinopathy (NBIA3). Also called: BASAL GANGLIA DISEASE, ADULT-ONSET; NEURODEGENERATION WITH BRAIN IRON ACCUMULATION 3. Identifiers: Orphanet 157846, MedGen C1853578, MONDO:0011638, OMIM 606159.
Hereditary hyperferritinemia with congenital cataracts. Also called: Hereditary hyperferritinemia cataract syndrome; Bonneau-Beaumont syndrome; HYPERFERRITINEMIA WITH OR WITHOUT CATARACT. Identifiers: Orphanet 163, MedGen C1833213, MONDO:0010952, OMIM 600886.

Allele frequency attached by ClinVar (database versions not stated): ExAC 0.00001; gnomAD 0.00002; TOPMed 0.00001.
gnomAD v4.1: 12 of 1,613,224 alleles (0.00074%); highest among the groups gnomAD compares: African/African-American, 0.0027%; no homozygotes.

Submissions (4):

North West Genomic Laboratory Hub, Manchester University NHS Foundation Trust
Classification: Likely pathogenic for Iron metabolism disorders. Last evaluated: 2025-04-24. Review status: criteria provided, single submitter. Criteria: ACGS Best Practice Guidelines for Variant Classification in Rare Disease 2024. Collection method: clinical testing. Allele origin: germline. Affected: yes.
Comment: PS4_Supp PP1_Str PP4_Supp

Labcorp Genetics (formerly Invitae), Labcorp
Classification: Pathogenic for Neuroferritinopathy; Hereditary hyperferritinemia with congenital cataracts. Last evaluated: 2025-04-17. Review status: criteria provided, single submitter. Criteria: Invitae Variant Classification Sherloc (09022015). Collection method: clinical testing. Allele origin: germline.
Comment: This sequence change replaces threonine, which is neutral and polar, with isoleucine, which is neutral and non-polar, at codon 30 of the FTL protein (p.Thr30Ile). This variant is present in population databases (rs397514540, gnomAD 0.007%). This missense change has been observed in individual(s) with hereditary hyperferritinemia (PMID: 19176363, 29797321). It has also been observed to segregate with disease in related individuals. ClinVar contains an entry for this variant (Variation ID: 39583). An algorithm developed to predict the effect of missense changes on protein structure and function (PolyPhen-2) suggests that this variant is likely to be disruptive. For these reasons, this variant has been classified as Pathogenic.

Genetics and Molecular Pathology, SA Pathology
Classification: Likely pathogenic for Hereditary hyperferritinemia with congenital cataracts. Last evaluated: 2021-02-26. Review status: criteria provided, single submitter. Criteria: ACMG Guidelines, 2015. Collection method: clinical testing. Allele origin: germline. Inheritance: Autosomal dominant inheritance. Affected: yes.

OMIM
Classification: Pathogenic for HYPERFERRITINEMIA WITH OR WITHOUT CATARACT. Last evaluated: 2009-03-01. Review status: no assertion criteria provided. Collection method: literature only. Allele origin: germline. Not counted in ClinVar's aggregate classification.

Literature cited by the submitters: PubMed 19176363 (cited by Labcorp Genetics (formerly Invitae), Labcorp and OMIM); PubMed 29797321 (cited by Labcorp Genetics (formerly Invitae), Labcorp).

NM_000146.4(FTL):c.89C>T (p.Thr30Ile)

Genes: FTL (ferritin light chain; plus strand), LOC130064892 (ATAC-STARR-seq lymphoblastoid active region 14919; plus strand). Cytogenetic location: 19q13.33.
Variant type: single nucleotide variant.
Coding change: c.89C>T on transcript NM_000146.4 (MANE Select); coding-DNA position 89, C replaced by T.
Protein change: p.Thr30Ile; replaces threonine 30 with isoleucine.
Molecular consequence: missense variant.
Genome position (GRCh38, 1-based): chr19:48,965,596, C>T. VCF-style: chr19-48965596-C-T. GRCh37 (hg19) VCF-style: chr19-49468853-C-T.
Other names: short protein forms T30I.
Identifiers: ClinVar variation 39583 (VCV000039583.6), dbSNP rs397514540, ClinGen allele CA130378.